The following is an entry in ClinVar:

ClinVar aggregate classification (germline): Uncertain significance (1 of 4 stars; one submission).

Conditions:
HTR2C-related disorder. Also called: HTR2C-related condition.

Submission:

PreventionGenetics, part of Exact Sciences
Classification: Uncertain significance for HTR2C-related condition. Last evaluated: 2025-06-23. Review status: criteria provided, single submitter. Criteria: ACMG Guidelines, 2015. Collection method: clinical testing. Allele origin: germline.
Comment: The HTR2C c.1250G>C variant is predicted to result in the amino acid substitution p.Arg417Pro. To our knowledge, this variant has not been reported in the literature or in a large population database (gnomAD), indicating this variant is rare. At this time, the clinical significance of this variant is uncertain due to the absence of conclusive functional and genetic evidence.

NM_000868.4(HTR2C):c.1250G>C (p.Arg417Pro)

Genes: HTR2C (5-hydroxytryptamine receptor 2C; plus strand), LOC126863306 (MED14-independent group 3 enhancer GRCh37_chrX:114140926-114142125; plus strand). Cytogenetic location: Xq23.
Variant type: single nucleotide variant.
Coding change: c.1250G>C on transcript NM_000868.4 (MANE Select); coding-DNA position 1250, G replaced by C.
Protein change: p.Arg417Pro; replaces arginine 417 with proline.
Molecular consequence: missense variant. On other transcripts: 3 prime UTR variant (1).
Genome position (GRCh38, 1-based): chrX:114,907,288, G>C. VCF-style: chrX-114907288-G-C. GRCh37 (hg19) VCF-style: chrX-114141851-G-C.
Other names: c.1250G>C, p.Arg417Pro (NM_001256760.3); c.*408G>C (NM_001256761.3); short protein forms R417P.
Identifiers: ClinVar variation 5002652 (VCV005002652.1).